The following is an entry in ClinVar:

NM_031935.3(HMCN1):c.16513C>T (p.Pro5505Ser)

Genes: HMCN1 (hemicentin 1; plus strand), LOC126805953 (P300/CBP strongly-dependent group 1 enhancer GRCh37_chr1:186156636-186157835; plus strand). Cytogenetic location: 1q31.1.
Variant type: single nucleotide variant.
Coding change: c.16513C>T on transcript NM_031935.3 (MANE Select); coding-DNA position 16513, C replaced by T.
Protein change: p.Pro5505Ser; replaces proline 5505 with serine.
Molecular consequence: missense variant.
Genome position (GRCh38, 1-based): chr1:186,187,981, C>T. VCF-style: chr1-186187981-C-T. GRCh37 (hg19) VCF-style: chr1-186157113-C-T.
Other names: short protein forms P5505S.
Identifiers: ClinVar variation 2470881 (VCV002470881.5), dbSNP rs376941835, ClinGen allele CA1295584.

ClinVar aggregate classification (germline): Uncertain significance. Review status: criteria provided, multiple submitters, no conflicts (2 of 4 stars). 2 submissions from 2 submitters: Uncertain significance (2). Last evaluated 2024-01-19.

Allele frequency attached by ClinVar (database versions not stated): gnomAD 0.00001; gnomAD exomes 0.00002; TOPMed 0.00002; ExAC 0.00003; ESP Exome Variant Server 0.00008.
gnomAD v4.1: 35 of 1,613,772 alleles (0.0022%); highest among the groups gnomAD compares: Middle Eastern, 0.016%; no homozygotes.

Submissions (2):

Labcorp Genetics (formerly Invitae), Labcorp
Classification: Uncertain significance. Last evaluated: 2024-01-19. Review status: criteria provided, single submitter. Criteria: Invitae Variant Classification Sherloc (09022015). Collection method: clinical testing. Allele origin: germline.
Comment: This sequence change replaces proline, which is neutral and non-polar, with serine, which is neutral and polar, at codon 5505 of the HMCN1 protein (p.Pro5505Ser). This variant is present in population databases (rs376941835, gnomAD 0.005%). This variant has not been reported in the literature in individuals affected with HMCN1-related conditions. ClinVar contains an entry for this variant (Variation ID: 2470881). An algorithm developed to predict the effect of missense changes on protein structure and function (PolyPhen-2) suggests that this variant is likely to be disruptive. In summary, the available evidence is currently insufficient to determine the role of this variant in disease. Therefore, it has been classified as a Variant of Uncertain Significance.

Ambry Genetics
Classification: Uncertain significance. Last evaluated: 2023-02-23. Review status: criteria provided, single submitter. Criteria: Ambry Variant Classification Scheme 2023. Collection method: clinical testing. Allele origin: germline.